The following is an entry in ClinVar:

NM_018942.3(HMX1):c.313C>T (p.Pro105Ser)

Gene: HMX1 (H6 family homeobox 1; minus strand). Cytogenetic location: 4p16.1.
Variant type: single nucleotide variant.
Coding change: c.313C>T on transcript NM_018942.3 (MANE Select); coding-DNA position 313, C replaced by T.
Protein change: p.Pro105Ser; replaces proline 105 with serine.
Molecular consequence: missense variant.
Genome position (GRCh38, 1-based): chr4:8,871,302, G>A on the plus strand (C>T on the coding strand, the complement: HMX1 is on the minus strand). VCF-style: chr4-8871302-G-A. GRCh37 (hg19) VCF-style: chr4-8873028-G-A.
Other names: c.313C>T, p.Pro105Ser (NM_001306142.2); short protein forms P105S.
Identifiers: ClinVar variation 1374445 (VCV001374445.8), dbSNP rs2109477400, ClinGen allele CA356278889.
Genomic context (GRCh38, chr4:8,871,302, plus strand): 5'-CATAGCCACCGTGCGCCCGTGGGTACCAGCGCGCTGCGCCTCCGCAGCCCAGAGCGAAGG[G>A]CGGCCCGGGACCGGGGGGCGGCCGAGGACCGAGGCCCAGCGCGCCCGGCCCGAGCAGCGC-3'
Protein context (NP_061815.2, residues 95-115): GPRPPPGPGP[Pro105Ser]FALGCGGAAR

ClinVar aggregate classification (germline): Uncertain significance (1 of 4 stars; one submission).

Submission:

Labcorp Genetics (formerly Invitae), Labcorp
Classification: Uncertain significance. Last evaluated: 2023-07-10. Review status: criteria provided, single submitter. Criteria: Invitae Variant Classification Sherloc (09022015). Collection method: clinical testing. Allele origin: germline.
Comment: This sequence change replaces proline, which is neutral and non-polar, with serine, which is neutral and polar, at codon 105 of the HMX1 protein (p.Pro105Ser). This variant is not present in population databases (gnomAD no frequency). This variant has not been reported in the literature in individuals affected with HMX1-related conditions. ClinVar contains an entry for this variant (Variation ID: 1374445). Advanced modeling of protein sequence and biophysical properties (such as structural, functional, and spatial information, amino acid conservation, physicochemical variation, residue mobility, and thermodynamic stability) performed at Invitae indicates that this missense variant is not expected to disrupt HMX1 protein function. In summary, the available evidence is currently insufficient to determine the role of this variant in disease. Therefore, it has been classified as a Variant of Uncertain Significance.